The following is an entry in ClinVar:

NM_144991.3(TSPEAR):c.193G>A (p.Ala65Thr)

Gene: TSPEAR (thrombospondin type laminin G domain and EAR repeats; minus strand). Cytogenetic location: 21q22.3.
Variant type: single nucleotide variant.
Coding change: c.193G>A on transcript NM_144991.3 (MANE Select); coding-DNA position 193, G replaced by A.
Protein change: p.Ala65Thr; replaces alanine 65 with threonine.
Molecular consequence: missense variant. On other transcripts: 5 prime UTR variant (1).
Genome position (GRCh38, 1-based): chr21:44,567,895, C>T on the plus strand (G>A on the coding strand, the complement: TSPEAR is on the minus strand). VCF-style: chr21-44567895-C-T. GRCh37 (hg19) VCF-style: chr21-45987779-C-T.
Other names: c.-12G>A (NM_001272037.2); short protein forms A65T.
Identifiers: ClinVar variation 1214016 (VCV001214016.13), dbSNP rs76207741, ClinGen allele CA10058069.

ClinVar aggregate classification (germline): Likely benign. Review status: criteria provided, multiple submitters, no conflicts (2 of 4 stars). 4 submissions from 4 submitters: Likely benign (4). Last evaluated 2025-10-24.

Conditions:
TSPEAR-related disorder. Also called: TSPEAR-related condition.

Allele frequency attached by ClinVar (database versions not stated): gnomAD 0.00003 and 0.00018; TOPMed 0.00007; ExAC 0.00055; 1000 Genomes Project 30x 0.00109; 1000 Genomes Project 0.00120.
gnomAD v4.1: 494 of 1,607,056 alleles (0.031%); highest among the groups gnomAD compares: South Asian, 0.36%; 2 homozygotes.

Submissions (4):

Labcorp Genetics (formerly Invitae), Labcorp
Classification: Likely benign. Last evaluated: 2025-10-24. Review status: criteria provided, single submitter. Criteria: Invitae Variant Classification Sherloc (09022015). Collection method: clinical testing. Allele origin: germline.

PreventionGenetics, part of Exact Sciences
Classification: Likely benign for TSPEAR-related condition. Last evaluated: 2025-02-19. Review status: criteria provided, single submitter. Criteria: ACMG Guidelines, 2015. Collection method: clinical testing. Allele origin: germline.
Comment: This variant is classified as likely benign based on ACMG/AMP sequence variant interpretation guidelines (Richards et al. 2015 PMID: 25741868, with internal and published modifications).

GeneDx
Classification: Likely benign. Last evaluated: 2021-05-22. Review status: criteria provided, single submitter. Criteria: GeneDx Variant Classification Process June 2021. Collection method: clinical testing. Allele origin: germline. Affected: yes.

Breakthrough Genomics
Classification: Likely benign. Review status: criteria provided, single submitter. Criteria: ACMG Guidelines, 2015. Collection method: not provided. Allele origin: germline. Inheritance: Autosomal recessive inheritance. Affected: yes.